The following is an entry in ClinVar:

ClinVar aggregate classification (germline): Likely pathogenic (1 of 4 stars; one submission).

gnomAD v4.1: 1 of 1,614,258 alleles (0.000062%); highest among the groups gnomAD compares: South Asian, 0.0011%; no homozygotes.

Submission:

Mayo Clinic Laboratories, Mayo Clinic
Classification: Likely pathogenic. Last evaluated: 2024-03-19. Review status: criteria provided, single submitter. Criteria: ACMG Guidelines, 2015. Collection method: clinical testing. Allele origin: germline.
Comment: PM2_moderate, PVS1

Literature cited by the submitters: PubMed 18759866.

NM_000298.6(PKLR):c.1270-2A>C

Gene: PKLR (pyruvate kinase L/R; minus strand). Cytogenetic location: 1q22.
Variant type: single nucleotide variant.
Coding change: c.1270-2A>C on transcript NM_000298.6 (MANE Select); the canonical splice acceptor site of the intron before coding-DNA position 1270, A replaced by C.
Molecular consequence: splice acceptor variant.
Genome position (GRCh38, 1-based): chr1:155,293,345, T>G on the plus strand (A>C on the coding strand, the complement: PKLR is on the minus strand). VCF-style: chr1-155293345-T-G. GRCh37 (hg19) VCF-style: chr1-155263136-T-G.
Other names: p.?; c.1177-2A>C (NM_181871.4).
Identifiers: ClinVar variation 3391443 (VCV003391443.1).